The following is an entry in ClinVar:

ClinVar aggregate classification (germline): Uncertain significance (1 of 4 stars; one submission).

Conditions:
Primary ciliary dyskinesia. Also called: Ciliary dyskinesia. Identifiers: Orphanet 244, MedGen C0008780, MONDO:0016575, HP:0012265.

Submission:

Ambry Genetics
Classification: Uncertain significance for Primary ciliary dyskinesia. Last evaluated: 2026-04-29. Review status: criteria provided, single submitter. Criteria: Ambry Variant Classification Scheme 2023. Collection method: clinical testing. Allele origin: germline.
Comment: The p.K109E variant (also known as c.325A>G), located in coding exon 4 of the DNAH5 gene, results from an A to G substitution at nucleotide position 325. The lysine at codon 109 is replaced by glutamic acid, an amino acid with similar properties. This amino acid position is conserved. In addition, this alteration is predicted to be tolerated by in silico analysis. Based on the available evidence, the clinical significance of this variant remains unclear.

NM_001369.3(DNAH5):c.325A>G (p.Lys109Glu)

Gene: DNAH5 (dynein axonemal heavy chain 5; minus strand). Cytogenetic location: 5p15.2.
Variant type: single nucleotide variant.
Coding change: c.325A>G on transcript NM_001369.3 (MANE Select); coding-DNA position 325, A replaced by G.
Protein change: p.Lys109Glu; replaces lysine 109 with glutamic acid.
Molecular consequence: missense variant.
Genome position (GRCh38, 1-based): chr5:13,923,393, T>C on the plus strand (A>G on the coding strand, the complement: DNAH5 is on the minus strand). VCF-style: chr5-13923393-T-C. GRCh37 (hg19) VCF-style: chr5-13923502-T-C.
Other names: short protein forms K109E.
Identifiers: ClinVar variation 4869958 (VCV004869958.1).